The following is an entry in ClinVar:

ClinVar aggregate classification (germline): Pathogenic. Review status: criteria provided, multiple submitters, no conflicts (2 of 4 stars). 2 submissions from 2 submitters: Pathogenic (2). Last evaluated 2024-01-17.

Conditions:
Peroxisome biogenesis disorder. Identifiers: Orphanet 79189, MedGen C1832200, MONDO:0019234. Disease mechanism: loss of function.
Peroxisome biogenesis disorder 9B. Also called: PEX7-Related Refsum Disease; Refsum disease, adult, 2; PEROXISOME BIOGENESIS DISORDER, PEX7-RELATED, ATYPICAL. Identifiers: Orphanet 773, MedGen C2749346, MONDO:0013945, OMIM 614879.

Submissions (2):

Myriad Genetics, Inc.
Classification: Pathogenic for Peroxisome biogenesis disorder. Last evaluated: 2024-01-17. Review status: criteria provided, single submitter. Criteria: Myriad Autosomal Dominant, Autosomal Recessive and X-Linked Classification Criteria (2023). Collection method: clinical testing. Allele origin: unknown.
Comment: NM_000288.3(PEX7):c.652delG(A218Rfs*6) is expected to be pathogenic in the context of PEX7-related disorders. This variant is predicted to lead to an abnormal or absent protein product due to the creation of a premature termination codon in PEX7, a gene where loss-of-function variants are known to be pathogenic. Please note: this variant was assessed in the context of healthy population screening.

Labcorp Genetics (formerly Invitae), Labcorp
Classification: Pathogenic for Peroxisome biogenesis disorder 9B. Last evaluated: 2022-05-11. Review status: criteria provided, single submitter. Criteria: Invitae Variant Classification Sherloc (09022015). Collection method: clinical testing. Allele origin: germline.
Comment: For these reasons, this variant has been classified as Pathogenic. This variant has not been reported in the literature in individuals affected with PEX7-related conditions. This variant is not present in population databases (gnomAD no frequency). This sequence change creates a premature translational stop signal (p.Ala218Argfs*6) in the PEX7 gene. It is expected to result in an absent or disrupted protein product. Loss-of-function variants in PEX7 are known to be pathogenic (PMID: 12325024, 12522768, 20301447).

Literature cited by the submitters: PubMed 12325024 (cited by Labcorp Genetics (formerly Invitae), Labcorp); PubMed 12522768 (cited by Labcorp Genetics (formerly Invitae), Labcorp); PubMed 20301447 (cited by Labcorp Genetics (formerly Invitae), Labcorp).

NM_000288.4(PEX7):c.652del (p.Ala218fs)

Gene: PEX7 (peroxisomal biogenesis factor 7; plus strand). Cytogenetic location: 6q23.3.
Variant type: Deletion.
Coding change: c.652del on transcript NM_000288.4 (MANE Select); coding-DNA position 652, one base deleted (G; older notation c.652delG).
Protein change: p.Ala218fs; shifts the reading frame from alanine 218.
Molecular consequence: frameshift variant.
Genome position (GRCh38, 1-based): chr6:136,869,908, G deleted; the last of 4 consecutive G bases (chr6:136,869,905-136,869,908); deleting any one gives the same sequence. VCF-style (leftmost placement, unchanged base first): chr6-136869904-CG-C. GRCh37 (hg19) VCF-style: chr6-137191042-CG-C.
Other names: c.538delG, p.Ala180Argfs (NM_001410945.1); short protein forms A218fs.
Identifiers: ClinVar variation 2074726 (VCV002074726.5), dbSNP rs2548095325, ClinGen allele CA2580075139.